The following is an entry in ClinVar:

NM_016203.4(PRKAG2):c.1678+5A>G

Gene: PRKAG2 (protein kinase AMP-activated non-catalytic subunit gamma 2; minus strand). Cytogenetic location: 7q36.1.
Variant type: single nucleotide variant.
Coding change: c.1678+5A>G on transcript NM_016203.4 (MANE Select); 5 bases into the intron after coding-DNA position 1678, A replaced by G.
Molecular consequence: intron variant.
Genome position (GRCh38, 1-based): chr7:151,560,519, T>C on the plus strand (A>G on the coding strand, the complement: PRKAG2 is on the minus strand). VCF-style: chr7-151560519-T-C. GRCh37 (hg19) VCF-style: chr7-151257605-T-C.
Other names: c.1546+5A>G (NM_001040633.2); c.1303+5A>G (NM_001304527.2); c.1306+5A>G (NM_001363698.2); c.955+5A>G (NM_001304531.2, NM_024429.2).
Identifiers: ClinVar variation 923559 (VCV000923559.5), dbSNP rs1804692531, ClinGen allele CA913188222.

ClinVar aggregate classification (germline): Conflicting classifications of pathogenicity. Review status: criteria provided, conflicting classifications (1 of 4 stars). 2 submissions from 2 submitters: Uncertain significance (1); Likely benign (1). Last evaluated 2024-10-22.

Conditions:
Cardiomyopathy (CMYO). Also called: Cardiomyopathies. Identifiers: Orphanet 167848, MedGen C0878544, MONDO:0004994, HP:0001638. Inheritance: Various modes of inheritance.
Lethal congenital glycogen storage disease of heart. Also called: GLYCOGEN STORAGE DISEASE OF HEART; PHOSPHORYLASE KINASE DEFICIENCY OF HEART. Identifiers: Orphanet 439854, MedGen C1849813, MONDO:0009867, OMIM 261740.

Submissions (2):

Labcorp Genetics (formerly Invitae), Labcorp
Classification: Uncertain significance for Lethal congenital glycogen storage disease of heart. Last evaluated: 2024-10-22. Review status: criteria provided, single submitter. Criteria: Invitae Variant Classification Sherloc (09022015). Collection method: clinical testing. Allele origin: germline.
Comment: This sequence change falls in intron 15 of the PRKAG2 gene. It does not directly change the encoded amino acid sequence of the PRKAG2 protein. It affects a nucleotide within the consensus splice site. This variant is not present in population databases (gnomAD no frequency). This variant has not been reported in the literature in individuals affected with PRKAG2-related conditions. ClinVar contains an entry for this variant (Variation ID: 923559). Variants that disrupt the consensus splice site are a relatively common cause of aberrant splicing (PMID: 17576681, 9536098). Algorithms developed to predict the effect of sequence changes on RNA splicing suggest that this variant is not likely to affect RNA splicing. In summary, the available evidence is currently insufficient to determine the role of this variant in disease. Therefore, it has been classified as a Variant of Uncertain Significance.

Color Diagnostics, LLC DBA Color Health
Classification: Likely benign for Cardiomyopathy. Last evaluated: 2019-04-08. Review status: criteria provided, single submitter. Criteria: ACMG Guidelines, 2015. Collection method: clinical testing. Allele origin: germline.

Literature cited by the submitters: PubMed 17576681 (cited by Labcorp Genetics (formerly Invitae), Labcorp); PubMed 9536098 (cited by Labcorp Genetics (formerly Invitae), Labcorp).